The following is an entry in ClinVar:

NM_020458.4(TTC7A):c.2170C>A (p.Gln724Lys)

Gene: TTC7A (tetratricopeptide repeat domain 7A; plus strand). Cytogenetic location: 2p21.
Variant type: single nucleotide variant.
Coding change: c.2170C>A on transcript NM_020458.4 (MANE Select); coding-DNA position 2170, C replaced by A.
Protein change: p.Gln724Lys; replaces glutamine 724 with lysine.
Molecular consequence: missense variant.
Genome position (GRCh38, 1-based): chr2:47,060,786, C>A. VCF-style: chr2-47060786-C-A. GRCh37 (hg19) VCF-style: chr2-47287925-C-A.
Other names: p.Gln724Lys; c.2242C>A, p.Gln748Lys (NM_001288951.2); c.2068C>A, p.Gln690Lys (NM_001288953.2); c.1108C>A, p.Gln370Lys (NM_001288955.2); c.2170C>A, p.Gln724Lys (LRG_1323t1); short protein forms Q690K, Q724K, Q370K, Q748K.
Identifiers: ClinVar variation 528469 (VCV000528469.53), dbSNP rs140166160, ClinGen allele CA1648052.

ClinVar aggregate classification (germline): Benign/Likely benign. Review status: criteria provided, multiple submitters, no conflicts (2 of 4 stars). 4 submissions from 4 submitters: Benign (2); Likely benign (2). Last evaluated 2026-08-01.

Conditions:
Multiple gastrointestinal atresias. Also called: Multiple intestinal atresia; FAMILIAL INTESTINAL POLYATRESIA SYNDROME. Identifiers: Orphanet 2300, MedGen C0220744, MONDO:0009465.

Allele frequency attached by ClinVar (database versions not stated): 1000 Genomes Project 0.00260; 1000 Genomes Project 30x 0.00359; gnomAD 0.00442 and 0.00455; TOPMed 0.00457; ESP Exome Variant Server 0.00500.
gnomAD v4.1: 11,082 of 1,609,952 alleles (0.69%); highest among the groups gnomAD compares: Non-Finnish European, 0.82%; 56 homozygotes.

Submissions (4):

CeGaT Center for Human Genetics Tuebingen
Classification: Likely benign. Last evaluated: 2026-08-01. Review status: criteria provided, single submitter. Criteria: CeGaT Center For Human Genetics Tuebingen Variant Classification Criteria Version 2. Collection method: clinical testing. Allele origin: germline. Affected: yes. Observed: 8 variant alleles.
Comment: TTC7A: BP4, BS2

Labcorp Genetics (formerly Invitae), Labcorp
Classification: Benign for Multiple gastrointestinal atresias. Last evaluated: 2026-02-04. Review status: criteria provided, single submitter. Criteria: Invitae Variant Classification Sherloc (09022015). Collection method: clinical testing. Allele origin: germline.

Mayo Clinic Laboratories, Mayo Clinic
Classification: Benign. Last evaluated: 2020-06-10. Review status: criteria provided, single submitter. Criteria: ACMG Guidelines, 2015. Collection method: clinical testing. Allele origin: germline. Observed: 10 variant alleles.

Breakthrough Genomics
Classification: Likely benign. Review status: criteria provided, single submitter. Criteria: ACMG Guidelines, 2015. Collection method: not provided. Allele origin: germline. Inheritance: Autosomal recessive inheritance. Affected: yes.